The following is an entry in ClinVar:

NM_001184.4(ATR):c.1162G>C (p.Asp388His)

Gene: ATR (ATR serine/threonine kinase; minus strand). Cytogenetic location: 3q23.
Variant type: single nucleotide variant.
Coding change: c.1162G>C on transcript NM_001184.4 (MANE Select); coding-DNA position 1162, G replaced by C.
Protein change: p.Asp388His; replaces aspartic acid 388 with histidine.
Molecular consequence: missense variant.
Genome position (GRCh38, 1-based): chr3:142,562,240, C>G on the plus strand (G>C on the coding strand, the complement: ATR is on the minus strand). VCF-style: chr3-142562240-C-G. GRCh37 (hg19) VCF-style: chr3-142281082-C-G.
Other names: c.1162G>C, p.Asp388His (NM_001354579.2); short protein forms D388H.
Identifiers: ClinVar variation 3330406 (VCV003330406.1).

ClinVar aggregate classification (germline): Uncertain significance (1 of 4 stars; one submission).

Conditions:
Inborn genetic diseases. Identifiers: MedGen C0950123, MeSH D030342.

Submission:

Ambry Genetics
Classification: Uncertain significance for Inborn genetic diseases. Last evaluated: 2024-05-28. Review status: criteria provided, single submitter. Criteria: Ambry Variant Classification Scheme 2023. Collection method: clinical testing. Allele origin: germline.
Comment: The p.D388H variant (also known as c.1162G>C), located in coding exon 4 of the ATR gene, results from a G to C substitution at nucleotide position 1162. The aspartic acid at codon 388 is replaced by histidine, an amino acid with similar properties. This amino acid position is conserved. In addition, this alteration is predicted to be tolerated by in silico analysis. Based on the available evidence, the clinical significance of this variant remains unclear.